The following is an entry in ClinVar:

ClinVar aggregate classification (germline): Uncertain significance (1 of 4 stars; one submission).

Conditions:
Fanconi anemia complementation group J. Also called: BRIP1-Related Fanconi Anemia. Identifiers: Orphanet 84, MedGen C1836860, MONDO:0012187, OMIM 609054.
Familial cancer of breast. Also called: Hereditary breast cancer; BREAST CANCER, FAMILIAL; hereditary breast carcinoma. Identifiers: Orphanet 227535, MedGen C0346153, MONDO:0016419, OMIM 114480. Disease mechanism: loss of function.

Submission:

Labcorp Genetics (formerly Invitae), Labcorp
Classification: Uncertain significance for Familial cancer of breast; Fanconi anemia complementation group J. Last evaluated: 2021-04-04. Review status: criteria provided, single submitter. Criteria: Invitae Variant Classification Sherloc (09022015). Collection method: clinical testing. Allele origin: germline.
Comment: In summary, the available evidence is currently insufficient to determine the role of this variant in disease. Therefore, it has been classified as a Variant of Uncertain Significance. Experimental studies and prediction algorithms are not available or were not evaluated, and the functional significance of this variant is currently unknown. This variant has not been reported in the literature in individuals with BRIP1-related conditions. This variant is not present in population databases (ExAC no frequency). This variant, c.2055_2066del, results in the deletion of 4 amino acid(s) of the BRIP1 protein (p.Thr686_Gln689del), but otherwise preserves the integrity of the reading frame.

NM_032043.3(BRIP1):c.2055_2066del (p.Thr686_Gln689del)

Gene: BRIP1 (BRCA1 interacting DNA helicase 1; minus strand). Cytogenetic location: 17q23.2.
Variant type: Deletion.
Coding change: c.2055_2066del on transcript NM_032043.3 (MANE Select); coding-DNA positions 2055 to 2066, 12 bases deleted (GACTGTGAGCCA).
Protein change: p.Thr686_Gln689del.
Molecular consequence: inframe deletion.
Genome position (GRCh38, 1-based): chr17:61,776,432-61,776,443, TGGCTCACAGTC deleted on the plus strand (GACTGTGAGCCA on the coding strand, the reverse complement: BRIP1 is on the minus strand); deleting any 12 consecutive bases within chr17:61,776,432-61,776,447 gives the same sequence; the c. name uses the placement nearest the transcript's 3' end. VCF-style (leftmost placement, unchanged base first): chr17-61776431-TTGGCTCACAGTC-T. GRCh37 (hg19) VCF-style: chr17-59853792-TTGGCTCACAGTC-T.
Identifiers: ClinVar variation 1522945 (VCV001522945.9), dbSNP rs2145027145, ClinGen allele CA2573154289.